The following is an entry in ClinVar:

NM_001165963.4(SCN1A):c.4393dup (p.Ile1465fs)

Genes: SCN1A (sodium voltage-gated channel alpha subunit 1; minus strand), LOC102724058 (uncharacterized LOC102724058; plus strand). Cytogenetic location: 2q24.3.
Variant type: Duplication.
Coding change: c.4393dup on transcript NM_001165963.4 (MANE Select); coding-DNA position 4393, one base duplicated (A; older notation c.4393dupA).
Protein change: p.Ile1465fs; shifts the reading frame from isoleucine 1465.
Molecular consequence: frameshift variant. On other transcripts: non-coding transcript variant (1).
Genome position (GRCh38, 1-based): chr2:165,998,121, T duplicated on the plus strand (A on the coding strand, the reverse complement: SCN1A is on the minus strand). VCF-style (leftmost placement, unchanged base first): chr2-165998120-A-AT. GRCh37 (hg19) VCF-style: chr2-166854630-A-AT.
Other names: c.4309dup, p.Ile1437fs (NM_001165964.3, NM_001353957.2, NM_001353958.2); c.4393dup, p.Ile1465fs (NM_001202435.3, NM_001353948.2); c.4360dup, p.Ile1454fs (NM_001353949.2, NM_001353950.2, NM_001353951.2 and 2 more transcripts); c.4357dup, p.Ile1453fs (NM_001353954.2, NM_001353955.2); c.4306dup, p.Ile1436fs (NM_001353960.2); c.1951dup, p.Ile651fs (NM_001353961.2); short protein forms I1437fs, I1453fs, I1436fs, I1465fs, I1454fs, I651fs.
Identifiers: ClinVar variation 2696123 (VCV002696123.3), dbSNP rs2468394650, ClinGen allele CA2697551205.

ClinVar aggregate classification (germline): Pathogenic (1 of 4 stars; one submission).

Conditions:
Early-infantile DEE. Also called: Ohtahara syndrome; Early infantile epileptic encephalopathy with suppression bursts; Early infantile epileptic encephalopathy. Identifiers: Orphanet 1934, MedGen C0393706, MONDO:0800491.

Submission:

Labcorp Genetics (formerly Invitae), Labcorp
Classification: Pathogenic for Early-infantile DEE. Last evaluated: 2023-11-15. Review status: criteria provided, single submitter. Criteria: Invitae Variant Classification Sherloc (09022015). Collection method: clinical testing. Allele origin: germline.
Comment: This sequence change creates a premature translational stop signal (p.Ile1465Asnfs*21) in the SCN1A gene. It is expected to result in an absent or disrupted protein product. Loss-of-function variants in SCN1A are known to be pathogenic (PMID: 17347258, 18930999). This variant is not present in population databases (gnomAD no frequency). This variant has not been reported in the literature in individuals affected with SCN1A-related conditions. Algorithms developed to predict the effect of sequence changes on RNA splicing suggest that this variant may disrupt the consensus splice site. For these reasons, this variant has been classified as Pathogenic.

Literature cited by the submitters: PubMed 17347258; PubMed 18930999.